The following is an entry in ClinVar:

NM_004407.4(DMP1):c.1280G>C (p.Ser427Thr)

Genes: DMP1 (dentin matrix acidic phosphoprotein 1; plus strand), DMP1-AS1 (DMP1 and DSPP antisense RNA 1; minus strand). Cytogenetic location: 4q22.1.
Variant type: single nucleotide variant.
Coding change: c.1280G>C on transcript NM_004407.4 (MANE Select); coding-DNA position 1280, G replaced by C.
Protein change: p.Ser427Thr; replaces serine 427 with threonine.
Molecular consequence: missense variant.
Genome position (GRCh38, 1-based): chr4:87,663,058, G>C. VCF-style: chr4-87663058-G-C. GRCh37 (hg19) VCF-style: chr4-88584210-G-C.
Other names: c.1232G>C, p.Ser411Thr (NM_001079911.3); short protein forms S427T, S411T.
Identifiers: ClinVar variation 1928486 (VCV001928486.5), dbSNP rs532733390, ClinGen allele CA3002176.
Genomic context (GRCh38, chr4:87,663,058, plus strand): 5'-AATCCAGTGAGAGCCTCAACTTCTCAGAGGAAAGCCCGGAGTCCCCTGAGGATGAGAACA[G>C]CTCCAGCCAGGAGGGCCTCCAGTCTCACAGCAGCTCAGCAGAGAGTCAGAGCGAGGAAAG-3'
Protein context (NP_004398.1, residues 417-437): ESPESPEDEN[Ser427Thr]SSQEGLQSHS

ClinVar aggregate classification (germline): Uncertain significance (1 of 4 stars; one submission).

Allele frequency attached by ClinVar (database versions not stated): gnomAD exomes below 0.00001; ExAC 0.00001; gnomAD 0.00001; TOPMed 0.00001; 1000 Genomes Project 30x 0.00016; 1000 Genomes Project 0.00020.

Submission:

Labcorp Genetics (formerly Invitae), Labcorp
Classification: Uncertain significance. Last evaluated: 2022-06-08. Review status: criteria provided, single submitter. Criteria: Invitae Variant Classification Sherloc (09022015). Collection method: clinical testing. Allele origin: germline.
Comment: This variant has not been reported in the literature in individuals affected with DMP1-related conditions. In summary, the available evidence is currently insufficient to determine the role of this variant in disease. Therefore, it has been classified as a Variant of Uncertain Significance. Algorithms developed to predict the effect of missense changes on protein structure and function are either unavailable or do not agree on the potential impact of this missense change (SIFT: "Deleterious"; PolyPhen-2: "Not Available"; Align-GVGD: "Class C55"). This variant is present in population databases (rs532733390, gnomAD 0.02%). This sequence change replaces serine, which is neutral and polar, with threonine, which is neutral and polar, at codon 427 of the DMP1 protein (p.Ser427Thr).